The following is an entry in ClinVar:

ClinVar aggregate classification (germline): Likely pathogenic. Review status: criteria provided, multiple submitters, no conflicts (2 of 4 stars). 2 submissions from 2 submitters: Likely pathogenic (2). Last evaluated 2025-09-24.

Conditions:
Developmental and epileptic encephalopathy, 53. Also called: Epileptic encephalopathy, early infantile, 53. Identifiers: MedGen C4479313, MONDO:0033362, OMIM 617389.
Early-onset Parkinson disease 20. Also called: PARKINSON DISEASE 20, AUTOSOMAL RECESSIVE EARLY-ONSET. Identifiers: Orphanet 391411, MedGen C3809824, MONDO:0014233, OMIM 615530.

Allele frequency attached by ClinVar (database versions not stated): gnomAD exomes below 0.00001; TOPMed 0.00001.
gnomAD v4.1: 9 of 1,613,584 alleles (0.00056%); highest among the groups gnomAD compares: East Asian, 0.0045%; no homozygotes.

Submissions (2):

Labcorp Genetics (formerly Invitae), Labcorp
Classification: Likely pathogenic for Developmental and epileptic encephalopathy, 53; Early-onset Parkinson disease 20. Last evaluated: 2025-09-24. Review status: criteria provided, single submitter. Criteria: Invitae Variant Classification Sherloc (09022015). Collection method: clinical testing. Allele origin: germline.
Comment: This sequence change affects a donor splice site in intron 27 of the SYNJ1 gene. It is expected to disrupt RNA splicing. Variants that disrupt the donor or acceptor splice site typically lead to a loss of protein function (PMID: 16199547), and loss-of-function variants in SYNJ1 are known to be pathogenic (PMID: 25316601, 27435091). This variant is present in population databases (no rsID available, gnomAD 0.0009%). This variant has not been reported in the literature in individuals affected with SYNJ1-related conditions. ClinVar contains an entry for this variant (Variation ID: 427149). In summary, the currently available evidence indicates that the variant is pathogenic, but additional data are needed to prove that conclusively. Therefore, this variant has been classified as Likely Pathogenic.

GeneDx
Classification: Likely pathogenic. Last evaluated: 2024-05-14. Review status: criteria provided, single submitter. Criteria: GeneDx Variant Classification Process June 2021. Collection method: clinical testing. Allele origin: germline. Affected: yes.
Comment: Canonical splice site variant predicted to result in an in-frame loss of the adjacent exon in a gene for which loss of function is a known mechanism of disease; Not observed at significant frequency in large population cohorts (gnomAD); Has not been previously published as pathogenic or benign to our knowledge

Literature cited by the submitters: PubMed 16199547 (cited by Labcorp Genetics (formerly Invitae), Labcorp); PubMed 25316601 (cited by Labcorp Genetics (formerly Invitae), Labcorp); PubMed 27435091 (cited by Labcorp Genetics (formerly Invitae), Labcorp).

NM_203446.3(SYNJ1):c.3478+1G>A

Gene: SYNJ1 (synaptojanin 1; minus strand). Cytogenetic location: 21q22.11.
Variant type: single nucleotide variant.
Coding change: c.3478+1G>A on transcript NM_203446.3 (MANE Select); the canonical splice donor site of the intron after coding-DNA position 3478, G replaced by A.
Molecular consequence: splice donor variant. On other transcripts: intron variant (2).
Genome position (GRCh38, 1-based): chr21:32,643,409, C>T on the plus strand (G>A on the coding strand, the complement: SYNJ1 is on the minus strand). VCF-style: chr21-32643409-C-T. GRCh37 (hg19) VCF-style: chr21-34015719-C-T.
Other names: c.3595+1G>A (NM_003895.4); c.3431-1276G>A (NM_001160302.2); c.3377-1443G>A (NM_001160306.2).
Identifiers: ClinVar variation 427149 (VCV000427149.9), dbSNP rs1085307987, ClinGen allele CA410066664.
Genomic context (GRCh38, chr21:32,643,409, plus strand): 5'-GGGCGCTGACACTGAGAAATAAAATGAGAGAACCACTTCTATAATGCAAGAGTCTTGTTA[C>T]CTTCCATCTCTCTCCTAGCTACCCCAGGACTGGGAGGGGCTCCAATACCTTTTTAGAGAA-3'